The following is an entry in ClinVar:

ClinVar aggregate classification (germline): Uncertain significance (1 of 4 stars; one submission).

Conditions:
Hereditary cancer-predisposing syndrome. Also called: Tumor predisposition; Neoplastic Syndromes, Hereditary; Hereditary Cancer Syndrome; Hereditary neoplastic syndrome. Identifiers: Orphanet 140162, MedGen C0027672, MeSH D009386, MONDO:0015356.

Submission:

Ambry Genetics
Classification: Uncertain significance for Hereditary cancer-predisposing syndrome. Last evaluated: 2024-08-06. Review status: criteria provided, single submitter. Criteria: Ambry Variant Classification Scheme 2023. Collection method: clinical testing. Allele origin: germline.
Comment: The p.L2173P variant (also known as c.6518T>C), located in coding exon 10 of the BRCA2 gene, results from a T to C substitution at nucleotide position 6518. The leucine at codon 2173 is replaced by proline, an amino acid with similar properties. This amino acid position is not well conserved in available vertebrate species. In addition, the in silico prediction for this alteration is inconclusive. Based on the available evidence, the clinical significance of this variant remains unclear.

NM_000059.4(BRCA2):c.6518T>C (p.Leu2173Pro)

Gene: BRCA2 (BRCA2 DNA repair associated; plus strand). Cytogenetic location: 13q13.1.
Variant type: single nucleotide variant.
Coding change: c.6518T>C on transcript NM_000059.4 (MANE Select); coding-DNA position 6518, T replaced by C.
Protein change: p.Leu2173Pro; replaces leucine 2173 with proline.
Molecular consequence: missense variant. On other transcripts: non-coding transcript variant (1), intron variant (2).
Genome position (GRCh38, 1-based): chr13:32,340,873, T>C. VCF-style: chr13-32340873-T-C. GRCh37 (hg19) VCF-style: chr13-32915010-T-C.
Other names: c.6518T>C, p.Leu2173Pro (NM_001406719.1, NM_001406720.1, NM_001432077.1); c.1910-3685T>C (NM_001406721.1); c.425-3685T>C (NM_001406722.1); short protein forms L2173P.
Identifiers: ClinVar variation 3482037 (VCV003482037.1).